The following is an entry in ClinVar:

NM_000256.3(MYBPC3):c.1353del (p.Glu451fs)

Gene: MYBPC3 (myosin binding protein C3; minus strand). Cytogenetic location: 11p11.2.
Variant type: Deletion.
Coding change: c.1353del on transcript NM_000256.3 (MANE Select); coding-DNA position 1353, one base deleted (G; older notation c.1353delG).
Protein change: p.Glu451fs; shifts the reading frame from glutamic acid 451.
Molecular consequence: frameshift variant.
Genome position (GRCh38, 1-based): chr11:47,342,934, C deleted on the plus strand (G on the coding strand, the reverse complement: MYBPC3 is on the minus strand). VCF-style (leftmost placement, unchanged base first): chr11-47342933-GC-G. GRCh37 (hg19) VCF-style: chr11-47364484-GC-G.
Other names: short protein forms E451fs.
Identifiers: ClinVar variation 1074856 (VCV001074856.7), dbSNP rs2142861512, ClinGen allele CA2499220975.

ClinVar aggregate classification (germline): Pathogenic (1 of 4 stars; one submission).

Conditions:
Hypertrophic cardiomyopathy. Also called: HYPERTROPHIC MYOCARDIOPATHY. Identifiers: Orphanet 217569, MedGen C0007194, MeSH D002312, MONDO:0005045, HP:0001639.

Submission:

Labcorp Genetics (formerly Invitae), Labcorp
Classification: Pathogenic for Hypertrophic cardiomyopathy. Last evaluated: 2020-03-04. Review status: criteria provided, single submitter. Criteria: Invitae Variant Classification Sherloc (09022015). Collection method: clinical testing. Allele origin: germline.
Comment: For these reasons, this variant has been classified as Pathogenic. Loss-of-function variants in MYBPC3 are known to be pathogenic (PMID: 19574547). This variant has not been reported in the literature in individuals with MYBPC3-related conditions. This variant is not present in population databases (ExAC no frequency). This sequence change creates a premature translational stop signal (p.Glu451Aspfs*15) in the MYBPC3 gene. It is expected to result in an absent or disrupted protein product.

Literature cited by the submitters: PubMed 19574547.